The following is an entry in ClinVar:

NM_007194.3(CHEK2):c.1462-?_1542+?del

Gene: CHEK2 (checkpoint kinase 2; minus strand). Cytogenetic location: 22q12.1.
Variant type: Deletion.
Coding change: c.1462-?_1542+?del on transcript NM_007194.3.
Identifiers: ClinVar variation 254067 (VCV000254067.2).

ClinVar aggregate classification (germline): Uncertain significance. Review status: criteria provided, multiple submitters, no conflicts (2 of 4 stars). 2 submissions from 2 submitters: Uncertain significance (2). Last evaluated 2016-11-03.

Conditions:
Familial cancer of breast. Also called: hereditary breast carcinoma; BREAST CANCER, FAMILIAL; Hereditary breast cancer. Identifiers: Orphanet 227535, MedGen C0346153, MONDO:0016419, OMIM 114480. Disease mechanism: loss of function.

Submissions (2):

Labcorp Genetics (formerly Invitae), Labcorp
Classification: Uncertain significance for Familial cancer of breast. Last evaluated: 2016-11-03. Review status: criteria provided, single submitter. Criteria: Invitae Variant Classification Sherloc (09022015). Collection method: clinical testing. Allele origin: germline.
Comment: This variant is a gross deletion of the genomic region encompassing exon 14 of the CHEK2 gene. This leads to an in-frame deletion, preserving the integrity of the reading frame. While deletions encompassing exon 14 have not been reported in the literature, loss-of-function variants in CHEK2 are known to be pathogenic (PMID: 21876083, 24713400). This exact variant has been observed in several individuals affected with breast cancer (Invitae database). However, there is insufficient evidence to conclude whether this variant segregates with disease or not. This variant is expected to result in an in-frame, truncated CHEK2 protein lacking amino acids Asp488-Gln514. This deleted region lies adjacent to the Ser516 phosphorylation site, as well as the nuclear localization signal (residues 515-522), both necessary for normal CHEK2 functioning (PMID: 12855706, 18538787, 12909615, 18004398). However, it is uncertain whether this deletion impacts these critical CHEK2 protein domains. In summary, this is a rare in-frame deletion with uncertain impact on protein function. Without additional functional and/or genetic data, it has been classified as a Variant of Uncertain Significance.

Women's Health and Genetics/Laboratory Corporation of America, LabCorp
Classification: Uncertain significance. Last evaluated: 2016-03-31. Review status: criteria provided, single submitter. Criteria: LabCorp Variant Classification Summary - May 2015. Collection method: clinical testing. Allele origin: germline.
Comment: Variant summary: This variant identified by an alternate technology (non-sequencing) involves the deletion of exon 14 in the CHEK2 gene. A presumed nomenclature of c.1462_1542del has been designated for the purposes of this classification. Exon 14 is the second to last exon in the gene and encodes part of the protein kinase-like domain. HGMD cites only two truncating mutations located in exon 14 or 15, and considering the location of this deletion, the effect on the protein structure is unclear at this time. The variants presence in the general population cannot be assessed by ExAC, ESP or 1000G as these databases use sequencing technology that cannot detect deletions this large. There has been one report of the variant from a thesis in which an Non-Hodgkin Lymphoma patient was found to have the deletion via MLPA, however no copy number variants were detected in this region by array comparative genomic hybridisation (aCGH), thus the true presence of this variant in the patient was not confirmed. Additionally, CHEK2 exons 10-14 are wholly or partially duplicated as pseudogenes eight times in the human genome, with duplications retaining the CHEK2 intron structure (PMID: 15649950), thus it is difficult to identify if the exon 14 deletion is the CHEK2 gene or its pseudogenes. Considering the lack of reported patients carrying this variant, the lack of functional studies, and the presence of this variant toward the end of the gene, this variant has been classified as a VUS until additional evidence becomes available.